The following is an entry in ClinVar:

ClinVar aggregate classification (germline): Uncertain significance (1 of 4 stars; one submission).

Allele frequency attached by ClinVar (database versions not stated): gnomAD exomes below 0.00001; ExAC 0.00001; gnomAD 0.00001; TOPMed 0.00001.
gnomAD v4.1: 4 of 1,609,526 alleles (0.00025%); highest among the groups gnomAD compares: African/African-American, 0.004%; no homozygotes.

Submission:

Labcorp Genetics (formerly Invitae), Labcorp
Classification: Uncertain significance. Last evaluated: 2022-07-19. Review status: criteria provided, single submitter. Criteria: Invitae Variant Classification Sherloc (09022015). Collection method: clinical testing. Allele origin: germline.
Comment: In summary, the available evidence is currently insufficient to determine the role of this variant in disease. Therefore, it has been classified as a Variant of Uncertain Significance. Algorithms developed to predict the effect of sequence changes on RNA splicing suggest that this variant may create or strengthen a splice site. ClinVar contains an entry for this variant (Variation ID: 1466867). This variant has not been reported in the literature in individuals affected with SLC12A6-related conditions. This variant is present in population databases (rs772765619, gnomAD 0.008%). This sequence change affects codon 470 of the SLC12A6 mRNA. It is a 'silent' change, meaning that it does not change the encoded amino acid sequence of the SLC12A6 protein.

NM_001365088.1(SLC12A6):c.1410C>T (p.Gly470=)

Gene: SLC12A6 (solute carrier family 12 member 6; minus strand). Cytogenetic location: 15q14.
Variant type: single nucleotide variant.
Coding change: c.1410C>T on transcript NM_001365088.1 (MANE Select); coding-DNA position 1410, C replaced by T.
Protein change: p.Gly470=; no amino-acid change (glycine 470 retained).
Molecular consequence: synonymous variant.
Genome position (GRCh38, 1-based): chr15:34,250,981, G>A on the plus strand (C>T on the coding strand, the complement: SLC12A6 is on the minus strand). VCF-style: chr15-34250981-G-A. GRCh37 (hg19) VCF-style: chr15-34543182-G-A.
Other names: c.1233C>T, p.Gly411= (NM_001042494.2, NM_001042495.2); c.1383C>T, p.Gly461= (NM_001042496.2); c.1365C>T, p.Gly455= (NM_001042497.2); c.1257C>T, p.Gly419= (NM_005135.2); c.1410C>T, p.Gly470= (NM_133647.2).
Identifiers: ClinVar variation 1466867 (VCV001466867.8), dbSNP rs772765619, ClinGen allele CA7464313.
Genomic context (GRCh38, chr15:34,250,981, plus strand): 5'-TCCCACCAGAAGCGTGAAGGAGGTGGTGATGTCAACAAGAACATATTCATGGTTTAAGCT[G>A]CCTAAGACATCAGAAGATTTGGCTGAAGGCTTTTCGATGATCTCTCCCTTGGGTAGGTAA-3'
Protein context (NP_001352017.1, residues 460-480): KPSAKSSDVL[Gly470=]SLNHEYVLVD